The following is an entry in ClinVar:

NM_004974.4(KCNA2):c.1299A>T (p.Thr433=)

Gene: KCNA2 (potassium voltage-gated channel subfamily A member 2; minus strand). Cytogenetic location: 1p13.3.
Variant type: single nucleotide variant.
Coding change: c.1299A>T on transcript NM_004974.4 (MANE Select); coding-DNA position 1299, A replaced by T.
Protein change: p.Thr433=; no amino-acid change (threonine 433 retained).
Molecular consequence: synonymous variant. On other transcripts: intron variant (1).
Genome position (GRCh38, 1-based): chr1:110,603,484, T>A on the plus strand (A>T on the coding strand, the complement: KCNA2 is on the minus strand). VCF-style: chr1-110603484-T-A. GRCh37 (hg19) VCF-style: chr1-111146106-T-A.
Other names: p.Thr433=; c.894+405A>T (NM_001204269.2).
Identifiers: ClinVar variation 542667 (VCV000542667.19), dbSNP rs80034565, ClinGen allele CA1000637.
Genomic context (GRCh38, chr1:110,603,484, plus strand): 5'-AATGGTAGAGGCACTTCTACTTTTCTTTAGGTCAGGGGAGGATGGGATCTTTGGACAGCT[T>A]GTCACTTGCAAGTATTGGGCCTGTTCCTCTCCCTCTGTCTCCCGGTGGTAGAAGTAGTTG-3'
Protein context (NP_004965.1, residues 423-443): GEEQAQYLQV[Thr433=]SCPKIPSSPD

ClinVar aggregate classification (germline): Benign/Likely benign. Review status: criteria provided, multiple submitters, no conflicts (2 of 4 stars). 5 submissions from 5 submitters: Benign (3); Likely benign (2). Last evaluated 2026-02-03.

Conditions:
Inborn genetic diseases. Identifiers: MedGen C0950123, MeSH D030342.
Developmental and epileptic encephalopathy, 32 (DEE32). Also called: Epileptic encephalopathy, early infantile, 32. Identifiers: Orphanet 442835, MedGen C4225350, MONDO:0014607, OMIM 616366.

Allele frequency attached by ClinVar (database versions not stated): gnomAD exomes 0.00013 and 0.00034; ExAC 0.00037; gnomAD 0.00111 and 0.00121; 1000 Genomes Project 0.00120; ESP Exome Variant Server 0.00123; 1000 Genomes Project 30x 0.00125; TOPMed 0.00149.
gnomAD v4.1: 360 of 1,614,048 alleles (0.022%); highest among the groups gnomAD compares: African/African-American, 0.42%; 1 homozygote.

Submissions (5):

Labcorp Genetics (formerly Invitae), Labcorp
Classification: Benign for Developmental and epileptic encephalopathy, 32. Last evaluated: 2026-02-03. Review status: criteria provided, single submitter. Criteria: Invitae Variant Classification Sherloc (09022015). Collection method: clinical testing. Allele origin: germline.

Mayo Clinic Laboratories, Mayo Clinic
Classification: Benign. Last evaluated: 2024-12-11. Review status: criteria provided, single submitter. Criteria: ACMG Guidelines, 2015. Collection method: clinical testing. Allele origin: germline. Observed: 1 variant allele.
Comment: BS1, BS2, BP4, BP7

Blueprint Genetics
Classification: Likely benign. Last evaluated: 2024-10-07. Review status: criteria provided, single submitter. Criteria: ACMG Guidelines, 2015. Collection method: clinical testing. Allele origin: germline.

GeneDx
Classification: Benign. Last evaluated: 2018-08-23. Review status: criteria provided, single submitter. Criteria: GeneDx Variant Classification Process June 2021. Collection method: clinical testing. Allele origin: germline. Affected: yes.

Ambry Genetics
Classification: Likely benign for Inborn genetic diseases. Last evaluated: 2016-07-28. Review status: criteria provided, single submitter. Criteria: Ambry Variant Classification Scheme 2023. Collection method: clinical testing. Allele origin: germline.